The following is an entry in ClinVar:

NM_005045.4(RELN):c.2989C>G (p.Leu997Val)

Gene: RELN (reelin; minus strand). Cytogenetic location: 7q22.1.
Variant type: single nucleotide variant.
Coding change: c.2989C>G on transcript NM_005045.4 (MANE Select); coding-DNA position 2989, C replaced by G.
Protein change: p.Leu997Val; replaces leucine 997 with valine.
Molecular consequence: missense variant.
Genome position (GRCh38, 1-based): chr7:103,610,714, G>C on the plus strand (C>G on the coding strand, the complement: RELN is on the minus strand). VCF-style: chr7-103610714-G-C. GRCh37 (hg19) VCF-style: chr7-103251161-G-C.
Other names: p.L997V:CTT>GTT; c.2989C>G, p.Leu997Val (NM_173054.3); short protein forms L997V.
Identifiers: ClinVar variation 130119 (VCV000130119.29), dbSNP rs362691, ClinGen allele CA154914.

ClinVar aggregate classification (germline): Benign. Review status: criteria provided, multiple submitters, no conflicts (2 of 4 stars). 12 submissions from 12 submitters: Benign (9). 3 of the submissions do not count toward it. Last evaluated 2026-02-03.

Conditions:
Norman-Roberts syndrome (LIS2). Also called: Lissencephaly 2 (Norman-Roberts type). Identifiers: Orphanet 89844, MedGen C0796089, MONDO:0009760, OMIM 257320.
Familial temporal lobe epilepsy 7. Identifiers: Orphanet 101046, MedGen C4225327, MONDO:0014639, OMIM 616436.

Allele frequency attached by ClinVar (database versions not stated): ESP Exome Variant Server 0.09688; gnomAD 0.10133; TOPMed 0.10449; 1000 Genomes Project 30x 0.12055; 1000 Genomes Project 0.12101.
gnomAD v4.1: 174,236 of 1,581,198 alleles (11%); highest among the groups gnomAD compares: South Asian, 16%; 10,098 homozygotes.

Submissions (12):

Labcorp Genetics (formerly Invitae), Labcorp
Classification: Benign for Familial temporal lobe epilepsy 7; Norman-Roberts syndrome. Last evaluated: 2026-02-03. Review status: criteria provided, single submitter. Criteria: Invitae Variant Classification Sherloc (09022015). Collection method: clinical testing. Allele origin: germline.

Blueprint Genetics
Classification: Benign. Last evaluated: 2024-11-27. Review status: criteria provided, single submitter. Criteria: ACMG Guidelines, 2015. Collection method: clinical testing. Allele origin: germline.

Mayo Clinic Laboratories, Mayo Clinic
Classification: Benign. Last evaluated: 2018-09-17. Review status: criteria provided, single submitter. Criteria: ACMG Guidelines, 2015. Collection method: clinical testing. Allele origin: germline. Observed: 100 variant alleles.

Eurofins Ntd Llc (ga)
Classification: Benign. Last evaluated: 2018-09-06. Review status: criteria provided, single submitter. Criteria: EGL ClinVar v180209 classification definitions. Collection method: clinical testing. Allele origin: germline. Observed: 3 variant alleles, 3 heterozygotes.

Athena Diagnostics
Classification: Benign. Last evaluated: 2018-05-07. Review status: criteria provided, single submitter. Criteria: Athena Diagnostics Criteria. Collection method: clinical testing. Allele origin: germline.

Illumina Laboratory Services, Illumina
Classification: Benign for Norman-Roberts syndrome. Last evaluated: 2018-01-13. Review status: criteria provided, single submitter. Criteria: ICSL Variant Classification Criteria 13 December 2019. Collection method: clinical testing. Allele origin: germline.
Comment: This variant was observed in the ICSL laboratory as part of a predisposition screen in an ostensibly healthy population. It had not been previously curated by ICSL or reported in the Human Gene Mutation Database (HGMD: prior to June 1st, 2018), and was therefore a candidate for classification through an automated scoring system. Utilizing variant allele frequency, disease prevalence and penetrance estimates, and inheritance mode, an automated score was calculated to assess if this variant is too frequent to cause the disease. Based on the score and internal cut-off values, a variant classified as benign is not then subjected to further curation. The score for this variant resulted in a classification of benign for this disease.

GeneDx
Classification: Benign. Last evaluated: 2013-12-19. Review status: criteria provided, single submitter. Criteria: GeneDx Variant Classification (06012015). Collection method: clinical testing. Allele origin: germline. Affected: yes.
Comment: This variant is considered likely benign or benign based on one or more of the following criteria: it is a conservative change, it occurs at a poorly conserved position in the protein, it is predicted to be benign by multiple in silico algorithms, and/or has population frequency not consistent with disease.

Breakthrough Genomics
Classification: Benign. Review status: criteria provided, single submitter. Criteria: ACMG Guidelines, 2015. Collection method: not provided. Allele origin: germline. Inheritance: Autosomal recessive inheritance. Affected: yes.

PreventionGenetics, part of Exact Sciences
Classification: Benign. Review status: criteria provided, single submitter. Criteria: ACMG Guidelines, 2015. Collection method: clinical testing. Allele origin: germline.

Clinical Genetics DNA and cytogenetics Diagnostics Lab, Erasmus MC, Erasmus Medical Center
Classification: Benign. Review status: no assertion criteria provided. Collection method: clinical testing. Allele origin: germline. Affected: yes. Study: VKGL Data-share Consensus. Not counted in ClinVar's aggregate classification.

Clinical Genetics, Academic Medical Center
Classification: Benign. Review status: no assertion criteria provided. Collection method: clinical testing. Allele origin: germline. Affected: yes. Study: VKGL Data-share Consensus. Not counted in ClinVar's aggregate classification.

Genetic Services Laboratory, University of Chicago
Classification: Likely benign for AllHighlyPenetrant. Review status: no assertion criteria provided. Collection method: clinical testing. Allele origin: germline. Inheritance: Autosomal recessive inheritance. Not counted in ClinVar's aggregate classification.
Comment: Likely benign based on allele frequency in 1000 Genomes Project or ESP global frequency and its presence in a patient with a rare or unrelated disease phenotype. NOT Sanger confirmed.